The following is an entry in ClinVar:

NM_018076.5(ODAD2):c.2014G>T (p.Glu672Ter)

Gene: ODAD2 (outer dynein arm docking complex subunit 2; minus strand). Cytogenetic location: 10p12.1.
Variant type: single nucleotide variant.
Coding change: c.2014G>T on transcript NM_018076.5 (MANE Select); coding-DNA position 2014, G replaced by T.
Protein change: p.Glu672Ter; replaces glutamic acid 672 with a stop codon.
Molecular consequence: nonsense.
Genome position (GRCh38, 1-based): chr10:27,939,980, C>A on the plus strand (G>T on the coding strand, the complement: ODAD2 is on the minus strand). VCF-style: chr10-27939980-C-A. GRCh37 (hg19) VCF-style: chr10-28228909-C-A.
Other names: c.2014G>T, p.Glu672Ter (NM_001290020.2); c.589G>T, p.Glu197Ter (NM_001290021.2); c.1090G>T, p.Glu364Ter (NM_001312689.2); short protein forms E672*, E197*, E364*.
Identifiers: ClinVar variation 242860 (VCV000242860.4), dbSNP rs771920114, ClinGen allele CA5453327.

ClinVar aggregate classification (germline): Pathogenic. Review status: criteria provided, multiple submitters, no conflicts (2 of 4 stars). 3 submissions from 3 submitters: Pathogenic (3). Last evaluated 2026-03-10.

Conditions:
Fetal anomalies with a likely genetic cause.
Primary ciliary dyskinesia 23 (CILD23). Also called: CILIARY DYSKINESIA, PRIMARY, 23, WITH OR WITHOUT SITUS INVERSUS. Identifiers: Orphanet 244, MedGen C3809548, MONDO:0014193, OMIM 615451.

Allele frequency attached by ClinVar (database versions not stated): ExAC 0.00001; gnomAD exomes below 0.00001.
gnomAD v4.1: 1 of 1,610,362 alleles (0.000062%); highest among the groups gnomAD compares: Non-Finnish European, 0.000085%; no homozygotes.

Submissions (3):

Genetics Laboratory, Great Ormond Street Hospital NHS Foundation Trust, North Thames Genomic Laboratory Hub
Classification: Pathogenic for Fetal anomalies with a likely genetic cause. Last evaluated: 2026-03-10. Review status: criteria provided, single submitter. Criteria: ACGS Best Practice Guidelines for Variant Classification in Rare Disease 2024 v1.2. Collection method: clinical testing. Allele origin: germline. Affected: yes.
Comment: PM2_moderate, PVS1_very-strong

Labcorp Genetics (formerly Invitae), Labcorp
Classification: Pathogenic for Primary ciliary dyskinesia 23. Last evaluated: 2024-06-02. Review status: criteria provided, single submitter. Criteria: Invitae Variant Classification Sherloc (09022015). Collection method: clinical testing. Allele origin: germline.
Comment: This sequence change creates a premature translational stop signal (p.Glu672*) in the ARMC4 gene. It is expected to result in an absent or disrupted protein product. Loss-of-function variants in ARMC4 are known to be pathogenic (PMID: 23849778). This variant is present in population databases (rs771920114, gnomAD 0.0009%). This premature translational stop signal has been observed in individual(s) with clinical features of primary ciliary dyskinesia (PMID: 23849778). ClinVar contains an entry for this variant (Variation ID: 242860). For these reasons, this variant has been classified as Pathogenic.

Lupski Lab, Baylor-Hopkins CMG, Baylor College of Medicine
Classification: Pathogenic for Primary ciliary dyskinesia 23. Last evaluated: 2013-04-03. Review status: criteria provided, single submitter. Criteria: Hjeij et al. (Am J Hum Genet. 2013). Collection method: research. Allele origin: germline. Inheritance: Autosomal recessive inheritance. Affected: yes. Observed: 1 variant allele, 1 compound heterozygote.
Comment: This compound heterzygous mutation was predicted to be loss-of-function.

Literature cited by the submitters: PubMed 23849778 (cited by Labcorp Genetics (formerly Invitae), Labcorp).